The following is an entry in ClinVar:

GRCh37/hg19 9p13.3(chr9:34196100-34261664)x1

Genes: KIF24 (kinesin family member 24; minus strand), UBAP1 (ubiquitin associated protein 1; plus strand). Cytogenetic location: 9p13.3.
Variant type: copy number loss.
Change: copy number 1 (one copy instead of two) of chr9:34,196,100-34,261,664 (65.6 kb, GRCh37 coordinates, 1-based), cytogenetic band 9p13.3.
Identifiers: ClinVar variation 1328460 (VCV001328460.4).

ClinVar aggregate classification (germline): Pathogenic (1 of 4 stars; one submission).

Submission:

Illumina Laboratory Services, Illumina
Classification: Pathogenic. Last evaluated: 2021-06-30. Review status: criteria provided, single submitter. Criteria: ICSL CNVClassificationCriteria Aug2020. Collection method: clinical testing. Allele origin: unknown.
Comment: This CNV is a 66 kb deletion of 9p13.3 on chromosome 9, seq[GRCh37]del(9)(p13.3); chr9:g.34196100_34261664del), of unknown inheritance. The CNV constitutes a loss that affects two protein-coding genes, UBAP1 and KIF24, with the distal breakpoint in intron 1 of UBAP1 and proximal breakpoint in intron 9 of KIF24. This deletion is predicted to result in premature termination or absence of the UBAP1 and KIF24 proteins. There are currently no known disease phenotypes associated with the KIF24 gene. Loss of function variants in exon 4 of UBAP1 have been associated with autosomal dominant hereditary spastic paraplegia (Farazi Fard et al. 2019; Lin et al. 2019; Wang et al. 2020) and are encompassed by this deletion. This deletion is expected to disrupt important functional domains of the UBAP1 protein, including the UMA and SOUBA domains that mediate interactions with the ESCRT-I complex and ubiquitin, respectively (Farazi Fard et al. 2019). CNVs of similar size have not been reported in published controls. Based on the available evidence, this CNV is classified as pathogenic.

Literature cited by the submitters: PubMed 30929741; PubMed 31203368; PubMed 32222895.